The following is an entry in ClinVar:

ClinVar aggregate classification (germline): Benign/Likely benign. Review status: criteria provided, multiple submitters, no conflicts (2 of 4 stars). 5 submissions from 5 submitters: Benign (1); Likely benign (3). 1 of the submissions does not count toward it. Last evaluated 2026-01-24.

Conditions:
SLC6A8-related disorder. Also called: SLC6A8-related condition.
Creatine transporter deficiency (CCDS1). Also called: CEREBRAL CREATINE DEFICIENCY SYNDROME 1; SLC6A8-Related Creatine Transporter Deficiency; CREATINE TRANSPORTER DEFECT; Creatine Transporter (CRTR) Deficiency; Mental retardation , X-linked with seizures, short stature and midface hypoplasia; Mental retardation , X-linked, with creatine transport deficiency. Identifiers: Orphanet 52503, MedGen C1845862, MONDO:0010305, OMIM 300352.

Allele frequency attached by ClinVar (database versions not stated): gnomAD exomes 0.00004 and 0.00007; ExAC 0.00006; TOPMed 0.00006; gnomAD 0.00007 and 0.00009; ESP Exome Variant Server 0.00019.
gnomAD v4.1: 84 of 1,198,861 alleles (0.007%); highest among the groups gnomAD compares: Middle Eastern, 0.023%; no homozygotes.

Submissions (5):

Labcorp Genetics (formerly Invitae), Labcorp
Classification: Benign for Creatine transporter deficiency. Last evaluated: 2026-01-24. Review status: criteria provided, single submitter. Criteria: Invitae Variant Classification Sherloc (09022015). Collection method: clinical testing. Allele origin: germline.

CeGaT Center for Human Genetics Tuebingen
Classification: Likely benign. Last evaluated: 2026-01-01. Review status: criteria provided, single submitter. Criteria: CeGaT Center For Human Genetics Tuebingen Variant Classification Criteria Version 2. Collection method: clinical testing. Allele origin: germline. Affected: yes. Observed: 2 variant alleles.
Comment: SLC6A8: BP4, BP7, BS2

Blueprint Genetics
Classification: Likely benign. Last evaluated: 2024-08-27. Review status: criteria provided, single submitter. Criteria: ACMG Guidelines, 2015. Collection method: clinical testing. Allele origin: germline.

GeneDx
Classification: Likely benign. Last evaluated: 2016-10-28. Review status: criteria provided, single submitter. Criteria: GeneDx Variant Classification (06012015). Collection method: clinical testing. Allele origin: germline. Affected: yes.
Comment: This variant is considered likely benign or benign based on one or more of the following criteria: it is a conservative change, it occurs at a poorly conserved position in the protein, it is predicted to be benign by multiple in silico algorithms, and/or has population frequency not consistent with disease.

PreventionGenetics, part of Exact Sciences
Classification: Likely benign for SLC6A8-related condition. Last evaluated: 2019-06-10. Review status: no assertion criteria provided. Collection method: clinical testing. Allele origin: germline. Not counted in ClinVar's aggregate classification.
Comment: This variant is classified as likely benign based on ACMG/AMP sequence variant interpretation guidelines (Richards et al. 2015 PMID: 25741868, with internal and published modifications).

NM_005629.4(SLC6A8):c.282C>T (p.Tyr94=)

Gene: SLC6A8 (solute carrier family 6 member 8; plus strand). Cytogenetic location: Xq28.
Variant type: single nucleotide variant.
Coding change: c.282C>T on transcript NM_005629.4 (MANE Select); coding-DNA position 282, C replaced by T.
Protein change: p.Tyr94=; no amino-acid change (tyrosine 94 retained).
Molecular consequence: synonymous variant. On other transcripts: 5 prime UTR variant (1).
Genome position (GRCh38, 1-based): chrX:153,690,394, C>T. VCF-style: chrX-153690394-C-T. GRCh37 (hg19) VCF-style: chrX-152955849-C-T.
Other names: c.282C>T, p.Tyr94= (NM_001142805.2); c.-64C>T (NM_001142806.1).
Identifiers: ClinVar variation 389999 (VCV000389999.31), dbSNP rs375818489, ClinGen allele CA10549176.
Genomic context (GRCh38, chrX:153,690,394, plus strand): 5'-CTGGGGGCCACCCTGAGTCCACGCTGTGCCTCCACCCCCAGGTGTGTTCCTTATTCCCTA[C>T]GTCCTGATCGCCCTGGTTGGAGGAATCCCCATTTTCTTCTTAGAGATCTCGCTGGGCCAG-3'
Protein context (NP_005620.1, residues 84-104): KNGGGVFLIP[Tyr94=]VLIALVGGIP